The following is an entry in ClinVar:

ClinVar aggregate classification (germline): Uncertain significance (1 of 4 stars; one submission).

Conditions:
Hereditary breast ovarian cancer syndrome. Also called: Hereditary breast and ovarian cancer syndrome (HBOC); Hereditary breast and ovarian cancer syndrome; Breast and ovarian cancer; Hereditary breast and ovarian cancer; Hereditary breast and/or ovarian cancer syndrome; BRCA1- and BRCA2-Associated Hereditary Breast and Ovarian Cancer. Identifiers: Orphanet 145, MedGen C0677776, MeSH D061325, MONDO:0003582. Disease mechanism: loss of function.

Submission:

Labcorp Genetics (formerly Invitae), Labcorp
Classification: Uncertain significance for Hereditary breast and ovarian cancer syndrome. Last evaluated: 2018-11-28. Review status: criteria provided, single submitter. Criteria: Invitae Variant Classification Sherloc (09022015). Collection method: clinical testing. Allele origin: germline.
Comment: This variant results in a copy number gain of the genomic region encompassing the full coding sequence of the BRCA1 gene. The boundaries of this event are unknown as they extend beyond the assayed region for this gene and therefore may encompass additional genes. As the precise location of this event is unknown, it may be in tandem or it may be located elsewhere in the genome. Similar copy number gains of entire sequence have not been reported in the literature in individuals with BRCA1-related disease. In summary, the available evidence is currently insufficient to determine the role of this variant in disease. Therefore, it has been classified as a Variant of Uncertain Significance.

NC_000017.10:g.(?_41197675)_(41277500_?)dup

Genes: BRCA1 (BRCA1 DNA repair associated; minus strand), LOC126862571 (BRD4-independent group 4 enhancer GRCh37_chr17:41243136-41244335; plus strand), LOC111589216 (BRCA1 intron 2 regulatory region; plus strand), LOC111589215 (BRCA1 promoter region; plus strand), LOC110485084 (BRCA1 intronic recombination region; plus strand). Cytogenetic location: 17q21.31.
Variant type: Duplication.
Identifiers: ClinVar variation 661189 (VCV000661189.1).